The following is an entry in ClinVar:

NM_006231.4(POLE):c.4963A>T (p.Ile1655Phe)

Gene: POLE (DNA polymerase epsilon, catalytic subunit; minus strand). Cytogenetic location: 12q24.33.
Variant type: single nucleotide variant.
Coding change: c.4963A>T on transcript NM_006231.4 (MANE Select); coding-DNA position 4963, A replaced by T.
Protein change: p.Ile1655Phe; replaces isoleucine 1655 with phenylalanine.
Molecular consequence: missense variant.
Genome position (GRCh38, 1-based): chr12:132,642,387, T>A on the plus strand (A>T on the coding strand, the complement: POLE is on the minus strand). VCF-style: chr12-132642387-T-A. GRCh37 (hg19) VCF-style: chr12-133218973-T-A.
Other names: short protein forms I1655F.
Identifiers: ClinVar variation 1432138 (VCV001432138.6), dbSNP rs1060500876, ClinGen allele CA387377668.

ClinVar aggregate classification (germline): Uncertain significance (1 of 4 stars; one submission).

Submission:

Labcorp Genetics (formerly Invitae), Labcorp
Classification: Uncertain significance. Last evaluated: 2021-08-09. Review status: criteria provided, single submitter. Criteria: Invitae Variant Classification Sherloc (09022015). Collection method: clinical testing. Allele origin: germline.
Comment: In summary, the available evidence is currently insufficient to determine the role of this variant in disease. Therefore, it has been classified as a Variant of Uncertain Significance. This sequence change replaces isoleucine with phenylalanine at codon 1655 of the POLE protein (p.Ile1655Phe). The isoleucine residue is moderately conserved and there is a small physicochemical difference between isoleucine and phenylalanine. This variant is not present in population databases (ExAC no frequency). This variant has not been reported in the literature in individuals affected with POLE-related conditions. Algorithms developed to predict the effect of missense changes on protein structure and function are either unavailable or do not agree on the potential impact of this missense change (SIFT: "Deleterious"; PolyPhen-2: "Possibly Damaging"; Align-GVGD: "Class C0").